The following is an entry in ClinVar:

ClinVar aggregate classification (germline): Likely benign. Review status: criteria provided, multiple submitters, no conflicts (2 of 4 stars). 3 submissions from 3 submitters: Likely benign (3). Last evaluated 2026-04-28.

Conditions:
PLEKHG5-related disorder. Also called: PLEKHG5-related condition.
Inborn genetic diseases. Identifiers: MedGen C0950123, MeSH D030342.
Charcot-Marie-Tooth disease recessive intermediate C. Also called: CHARCOT-MARIE-TOOTH NEUROPATHY, RECESSIVE INTERMEDIATE C. Identifiers: Orphanet 369867, MedGen C3809309, MONDO:0014154, OMIM 615376.
Neuronopathy, distal hereditary motor, autosomal recessive 4. Also called: Autosomal recessive lower motor neuron disease with childhood onset; NEUROPATHY, DISTAL HEREDITARY MOTOR, AUTOSOMAL RECESSIVE 4. Identifiers: Orphanet 206580, MedGen C1970211, MONDO:0012608, OMIM 611067.

Allele frequency attached by ClinVar (database versions not stated): gnomAD 0.00001 and 0.00003; gnomAD exomes 0.00001 and 0.00002; ExAC 0.00002; TOPMed 0.00003.
gnomAD v4.1: 38 of 1,607,902 alleles (0.0024%); highest among the groups gnomAD compares: Non-Finnish European, 0.0031%; no homozygotes.

Submissions (3):

PreventionGenetics, part of Exact Sciences
Classification: Likely benign for PLEKHG5-related condition. Last evaluated: 2026-04-28. Review status: criteria provided, single submitter. Criteria: ACMG Guidelines, 2015. Collection method: clinical testing. Allele origin: germline.
Comment: This variant is classified as likely benign based on ACMG/AMP sequence variant interpretation guidelines (Richards et al. 2015 PMID: 25741868, with internal and published modifications).

Labcorp Genetics (formerly Invitae), Labcorp
Classification: Likely benign for Neuronopathy, distal hereditary motor, autosomal recessive 4; Charcot-Marie-Tooth disease recessive intermediate C. Last evaluated: 2025-10-13. Review status: criteria provided, single submitter. Criteria: Invitae Variant Classification Sherloc (09022015). Collection method: clinical testing. Allele origin: germline.

Ambry Genetics
Classification: Likely benign for Inborn genetic diseases. Last evaluated: 2019-07-11. Review status: criteria provided, single submitter. Criteria: Ambry Variant Classification Scheme 2023. Collection method: clinical testing. Allele origin: germline.

NM_020631.6(PLEKHG5):c.1647G>A (p.Glu549=)

Gene: PLEKHG5 (pleckstrin homology and RhoGEF domain containing G5; minus strand). Cytogenetic location: 1p36.31.
Variant type: single nucleotide variant.
Coding change: c.1647G>A on transcript NM_020631.6 (MANE Select); coding-DNA position 1647, G replaced by A.
Protein change: p.Glu549=; no amino-acid change (glutamic acid 549 retained).
Molecular consequence: synonymous variant.
Genome position (GRCh38, 1-based): chr1:6,470,539, C>T on the plus strand (G>A on the coding strand, the complement: PLEKHG5 is on the minus strand). VCF-style: chr1-6470539-C-T. GRCh37 (hg19) VCF-style: chr1-6530599-C-T.
Other names: c.1758G>A, p.Glu586= (NM_001042663.3, NM_001265592.2); c.1647G>A, p.Glu549= (NM_001042664.2, NM_001042665.2, NM_001265594.3 and 1 more transcripts); c.1854G>A, p.Glu618= (NM_001265593.2).
Identifiers: ClinVar variation 468892 (VCV000468892.14), dbSNP rs770781624, ClinGen allele CA561437.
Genomic context (GRCh38, chr1:6,470,539, plus strand): 5'-GCAACCCCCGCAGACACACACGCCCACCTTGTCCACTTCGTCGCTGCTGCTTTCCACCAC[C>T]TCGTAGGCGTCGATGCGGCTCACCACGGCCGCCAGCCGCTGCCGCTCCTGCCGCTGCCGC-3'
Protein context (NP_065682.2, residues 539-559): AAVVSRIDAY[Glu549=]VVESSSDEVD